The following is an entry in ClinVar:

NM_003172.4(SURF1):c.342T>A (p.Asn114Lys)

Gene: SURF1 (SURF1 cytochrome c oxidase assembly factor; minus strand). Cytogenetic location: 9q34.2.
Variant type: single nucleotide variant.
Coding change: c.342T>A on transcript NM_003172.4 (MANE Select); coding-DNA position 342, T replaced by A.
Protein change: p.Asn114Lys; replaces asparagine 114 with lysine.
Molecular consequence: missense variant.
Genome position (GRCh38, 1-based): chr9:133,353,922, A>T on the plus strand (T>A on the coding strand, the complement: SURF1 is on the minus strand). VCF-style: chr9-133353922-A-T. GRCh37 (hg19) VCF-style: chr9-136220777-A-T.
Other names: c.15T>A, p.Asn5Lys (NM_001280787.1); short protein forms N114K, N5K.
Identifiers: ClinVar variation 1045772 (VCV001045772.6), dbSNP rs146580899, ClinGen allele CA200833084.

ClinVar aggregate classification (germline): Uncertain significance (1 of 4 stars; one submission).

Conditions:
Leigh syndrome (NULS). Also called: Leigh Disease; Subacute necrotizing encephalopathy; Necrotizing encephalopathy infantile subacute of Leigh; LEIGH SYNDROME, NUCLEAR; Leigh's necrotizing encephalopathy; Leigh's disease. Identifiers: Orphanet 506, MedGen C2931891, MONDO:0009723, OMIM 256000.

Allele frequency attached by ClinVar (database versions not stated): ExAC 0.00001; gnomAD exomes 0.00001; gnomAD 0.00004; TOPMed 0.00005; ESP Exome Variant Server 0.00015.
gnomAD v4.1: 7 of 1,613,656 alleles (0.00043%); highest among the groups gnomAD compares: African/African-American, 0.0093%; no homozygotes.

Submission:

Labcorp Genetics (formerly Invitae), Labcorp
Classification: Uncertain significance for Leigh syndrome. Last evaluated: 2021-08-27. Review status: criteria provided, single submitter. Criteria: Invitae Variant Classification Sherloc (09022015). Collection method: clinical testing. Allele origin: germline.
Comment: This sequence change replaces asparagine with lysine at codon 114 of the SURF1 protein (p.Asn114Lys). The asparagine residue is weakly conserved and there is a moderate physicochemical difference between asparagine and lysine. This variant is present in population databases (rs146580899, ExAC 0.01%). This variant has not been reported in the literature in individuals affected with SURF1-related conditions. Algorithms developed to predict the effect of missense changes on protein structure and function output the following: SIFT: "Tolerated"; PolyPhen-2: "Benign"; Align-GVGD: "Class C0". The lysine amino acid residue is found in multiple mammalian species, which suggests that this missense change does not adversely affect protein function. In summary, the available evidence is currently insufficient to determine the role of this variant in disease. Therefore, it has been classified as a Variant of Uncertain Significance.